The following is an entry in ClinVar:

ClinVar aggregate classification (germline): Uncertain significance (1 of 4 stars; one submission).

Submission:

GeneDx
Classification: Uncertain significance. Last evaluated: 2025-05-16. Review status: criteria provided, single submitter. Criteria: GeneDx Variant Classification Process June 2021. Collection method: clinical testing. Allele origin: germline. Affected: yes.
Comment: Not observed at significant frequency in large population cohorts (gnomAD); In silico analysis suggests that this missense variant does not alter protein structure/function; Has not been previously published as pathogenic or benign to our knowledge

NM_004319.3(ASTN1):c.3386A>G (p.Asn1129Ser)

Gene: ASTN1 (astrotactin 1; minus strand). Cytogenetic location: 1q25.2.
Variant type: single nucleotide variant.
Coding change: c.3386A>G on transcript NM_004319.3 (MANE Select); coding-DNA position 3386, A replaced by G.
Protein change: p.Asn1129Ser; replaces asparagine 1129 with serine.
Molecular consequence: missense variant.
Genome position (GRCh38, 1-based): chr1:176,876,614, T>C on the plus strand (A>G on the coding strand, the complement: ASTN1 is on the minus strand). VCF-style: chr1-176876614-T-C. GRCh37 (hg19) VCF-style: chr1-176845750-T-C.
Other names: c.3386A>G, p.Asn1129Ser (NM_001286164.2, NM_207108.3); c.3410A>G, p.Asn1137Ser (NM_001364856.2); short protein forms N1129S, N1137S.
Identifiers: ClinVar variation 4529988 (VCV004529988.1).
Genomic context (GRCh38, chr1:176,876,614, plus strand): 5'-TCCACCACGGGGCATGGGGTCTTCACGATCACGTCGCTTGGCCTGGAGCGCCGTCCTGTG[T>C]TGTCCACTCCCCACAGCGTGAACCTGGCAGGGAGTGGGAGGGCATGGTTAGCAGAAACAG-3'
Protein context (NP_004310.1, residues 1119-1139): IYMFTLWGVD[Asn1129Ser]TGRRSRPSDV